The following is an entry in ClinVar:

NM_001457.4(FLNB):c.7735G>C (p.Gly2579Arg)

Gene: FLNB (filamin B; plus strand). Cytogenetic location: 3p14.3.
Variant type: single nucleotide variant.
Coding change: c.7735G>C on transcript NM_001457.4 (MANE Select); coding-DNA position 7735, G replaced by C.
Protein change: p.Gly2579Arg; replaces glycine 2579 with arginine.
Molecular consequence: missense variant.
Genome position (GRCh38, 1-based): chr3:58,170,688, G>C. VCF-style: chr3-58170688-G-C. GRCh37 (hg19) VCF-style: chr3-58156415-G-C.
Other names: c.7828G>C, p.Gly2610Arg (NM_001164317.2); c.7702G>C, p.Gly2568Arg (NM_001164318.2); c.7663G>C, p.Gly2555Arg (NM_001164319.2); short protein forms G2555R, G2568R, G2579R, G2610R.
Identifiers: ClinVar variation 3623166 (VCV003623166.2).

ClinVar aggregate classification (germline): Uncertain significance (1 of 4 stars; one submission).

Submission:

Labcorp Genetics (formerly Invitae), Labcorp
Classification: Uncertain significance. Last evaluated: 2024-08-08. Review status: criteria provided, single submitter. Criteria: Invitae Variant Classification Sherloc (09022015). Collection method: clinical testing. Allele origin: germline.
Comment: This sequence change replaces glycine, which is neutral and non-polar, with arginine, which is basic and polar, at codon 2579 of the FLNB protein (p.Gly2579Arg). This variant is not present in population databases (gnomAD no frequency). This variant has not been reported in the literature in individuals affected with FLNB-related conditions. Advanced modeling of protein sequence and biophysical properties (such as structural, functional, and spatial information, amino acid conservation, physicochemical variation, residue mobility, and thermodynamic stability) performed at Invitae indicates that this missense variant is not expected to disrupt FLNB protein function with a negative predictive value of 95%. In summary, the available evidence is currently insufficient to determine the role of this variant in disease. Therefore, it has been classified as a Variant of Uncertain Significance.